The following is an entry in ClinVar:

NM_005356.5(LCK):c.277C>T (p.Gln93Ter)

Gene: LCK (LCK proto-oncogene, Src family tyrosine kinase; plus strand). Cytogenetic location: 1p35.2.
Variant type: single nucleotide variant.
Coding change: c.277C>T on transcript NM_005356.5 (MANE Select); coding-DNA position 277, C replaced by T.
Protein change: p.Gln93Ter; replaces glutamine 93 with a stop codon.
Molecular consequence: nonsense.
Genome position (GRCh38, 1-based): chr1:32,275,082, C>T. VCF-style: chr1-32275082-C-T. GRCh37 (hg19) VCF-style: chr1-32740683-C-T.
Other names: c.277C>T, p.Gln93Ter (NM_001042771.3, NM_001330468.2); short protein forms Q93*.
Identifiers: ClinVar variation 1804705 (VCV001804705.1), dbSNP rs2521644688, ClinGen allele CA339636740.

ClinVar aggregate classification (germline): Likely pathogenic (1 of 4 stars; one submission).

Conditions:
Severe combined immunodeficiency disease. Also called: Severe Combined Immune Deficiency; Severe combined immunodeficiency. Identifiers: Orphanet 183660, MedGen C0085110, MeSH D016511, MONDO:0015974, HP:0004430. Inheritance: X-Linked or Autosomal recessive.

Submission:

Women's Health and Genetics/Laboratory Corporation of America, LabCorp
Classification: Likely pathogenic for Severe combined immunodeficiency disease. Last evaluated: 2022-11-07. Review status: criteria provided, single submitter. Criteria: LabCorp Variant Classification Summary - May 2015. Collection method: clinical testing. Allele origin: germline.
Comment: Variant summary: LCK c.277C>T (p.Gln93X) results in a premature termination codon, predicted to cause a truncation of the encoded protein or absence of the protein due to nonsense mediated decay, which are known mechanisms for disease. Truncations downstream of this position have been classified as pathogenic by our laboratory. The variant was absent in 246576 control chromosomes. The available data on variant occurrences in the general population are insufficient to allow any conclusion about variant significance. c.277C>T has been reported in the literature in one individual affected with chronic kidney disease. This report does not provide unequivocal conclusions about association of the variant with Severe Combined Immunodeficiency. To our knowledge, no experimental evidence demonstrating an impact on protein function has been reported. No clinical diagnostic laboratories have submitted clinical-significance assessments for this variant to ClinVar after 2014. Based on the evidence outlined above, the variant was classified as likely pathogenic.

Literature cited by the submitters: PubMed 27748010.